The following is an entry in ClinVar:

ClinVar aggregate classification (germline): Uncertain significance (1 of 4 stars; one submission).

Conditions:
CFI-related disorder. Also called: CFI-related condition; CFI-related disorders. Identifiers: MedGen CN239325.

Submission:

Genomenon, Inc
Classification: Uncertain significance for CFI-related disorder. Last evaluated: 2025-09-26. Review status: criteria provided, single submitter. Criteria: Genomenon Sequence Variant Interpretation Standards - Updated. Collection method: curation. Allele origin: germline. Affected: no.
Comment: CFI p.Val270Ala (c.809T>C) is a missense variant that changes the amino acid at residue 270 from Valine to Alanine. Functional studies have been reported; however, the significance of the findings remain unclear (PMID:20044478). It is absent or not present at a significant frequency in gnomAD. In silico models agree that this variant is possibly or probably damaging. In conclusion, we classify CFI p.Val270Ala (c.809T>C) as a variant of unknown significance.

Literature cited by the submitters: PubMed 20044478.

NM_000204.5(CFI):c.809T>C (p.Val270Ala)

Gene: CFI (complement factor I; minus strand). Cytogenetic location: 4q25.
Variant type: single nucleotide variant.
Coding change: c.809T>C on transcript NM_000204.5 (MANE Select); coding-DNA position 809, T replaced by C.
Protein change: p.Val270Ala; replaces valine 270 with alanine.
Molecular consequence: missense variant. On other transcripts: non-coding transcript variant (3).
Genome position (GRCh38, 1-based): chr4:109,760,344, A>G on the plus strand (T>C on the coding strand, the complement: CFI is on the minus strand). VCF-style: chr4-109760344-A-G. GRCh37 (hg19) VCF-style: chr4-110681500-A-G.
Other names: c.809T>C, p.Val270Ala (NM_001318057.2, NM_001331035.2, NM_001375278.1 and 10 more transcripts); c.200T>C, p.Val67Ala (NM_001375284.1); short protein forms V270A, V67A.
Identifiers: ClinVar variation 4280556 (VCV004280556.1).
Genomic context (GRCh38, chr4:109,760,344, plus strand): 5'-TCATCTTCCCCTGTAATGCAGTCCACCTCACCATTGCATTGATACTGGCTTGGAATGCAA[A>G]CACCCGATTTGCAATGGAAGCCTTTGCCTTGGCATGCTGTGCAAACATAAGCAGGAGAGG-3'
Protein context (NP_000195.3, residues 260-280): QGKGFHCKSG[Val270Ala]CIPSQYQCNG